The following is an entry in ClinVar:

ClinVar aggregate classification (germline): Uncertain significance. Review status: criteria provided, multiple submitters, no conflicts (2 of 4 stars). 2 submissions from 2 submitters: Uncertain significance (2). Last evaluated 2022-06-19.

Conditions:
Adams-Oliver syndrome 5 (AOS5). Identifiers: Orphanet 974, MedGen C4014970, MONDO:0014459, OMIM 616028.
Aortic valve disease 1 (AOVD1). Identifiers: MedGen C3887892, MONDO:0024523, OMIM 109730.

Submissions (2):

Labcorp Genetics (formerly Invitae), Labcorp
Classification: Uncertain significance for Adams-Oliver syndrome 5. Last evaluated: 2022-06-19. Review status: criteria provided, single submitter. Criteria: Invitae Variant Classification Sherloc (09022015). Collection method: clinical testing. Allele origin: germline.
Comment: In summary, the available evidence is currently insufficient to determine the role of this variant in disease. Therefore, it has been classified as a Variant of Uncertain Significance. Advanced modeling of protein sequence and biophysical properties (such as structural, functional, and spatial information, amino acid conservation, physicochemical variation, residue mobility, and thermodynamic stability) performed at Invitae indicates that this missense variant is not expected to disrupt NOTCH1 protein function. ClinVar contains an entry for this variant (Variation ID: 1029624). This variant has not been reported in the literature in individuals affected with NOTCH1-related conditions. This variant is not present in population databases (gnomAD no frequency). This sequence change replaces serine, which is neutral and polar, with glycine, which is neutral and non-polar, at codon 951 of the NOTCH1 protein (p.Ser951Gly).

Baylor Genetics
Classification: Uncertain significance for Aortic valve disease 1. Last evaluated: 2019-09-19. Review status: criteria provided, single submitter. Criteria: ACMG Guidelines, 2015. Collection method: clinical testing. Allele origin: unknown. Affected: yes.
Comment: This variant was determined to be of uncertain significance according to ACMG Guidelines, 2015 [PMID:25741868].

NM_017617.5(NOTCH1):c.2851A>G (p.Ser951Gly)

Gene: NOTCH1 (notch receptor 1; minus strand). Cytogenetic location: 9q34.3.
Variant type: single nucleotide variant.
Coding change: c.2851A>G on transcript NM_017617.5 (MANE Select); coding-DNA position 2851, A replaced by G.
Protein change: p.Ser951Gly; replaces serine 951 with glycine.
Molecular consequence: missense variant.
Genome position (GRCh38, 1-based): chr9:136,509,851, T>C on the plus strand (A>G on the coding strand, the complement: NOTCH1 is on the minus strand). VCF-style: chr9-136509851-T-C. GRCh37 (hg19) VCF-style: chr9-139404303-T-C.
Other names: short protein forms S951G.
Identifiers: ClinVar variation 1029624 (VCV001029624.5), dbSNP rs1843150410, ClinGen allele CA375553694.
Genomic context (GRCh38, chr9:136,509,851, plus strand): 5'-AGGTGCACGTGTAGCTGTCCACGCAGTCCGTGCAGTTGGCCCCGTTGCGGCAGGGGTCAC[T>C]GGCACACTCGTTGATGTCCTCCTCACAGAAAGTGCCCCGGAAGCCGGGCAGGCAGTCGCA-3'
Protein context (NP_060087.3, residues 941-961): FCEEDINECA[Ser951Gly]DPCRNGANCT